The following is an entry in ClinVar:

NM_001377.3(DYNC2H1):c.3644G>T (p.Arg1215Leu)

Gene: DYNC2H1 (dynein cytoplasmic 2 heavy chain 1; plus strand). Cytogenetic location: 11q22.3.
Variant type: single nucleotide variant.
Coding change: c.3644G>T on transcript NM_001377.3 (MANE Select); coding-DNA position 3644, G replaced by T.
Protein change: p.Arg1215Leu; replaces arginine 1215 with leucine.
Molecular consequence: missense variant.
Genome position (GRCh38, 1-based): chr11:103,155,401, G>T. VCF-style: chr11-103155401-G-T. GRCh37 (hg19) VCF-style: chr11-103026130-G-T.
Other names: c.3644G>T, p.Arg1215Leu (NM_001080463.2); short protein forms R1215L.
Identifiers: ClinVar variation 2166132 (VCV002166132.4), dbSNP rs1157870566, ClinGen allele CA382274023.
Genomic context (GRCh38, chr11:103,155,401, plus strand): 5'-CTATCTTGAAATATGTGAGAGGGGAGCATCTTTCTCCAGATCACTGGCTTGACCTTTTTC[G>T]TCTCCTTGGACTTCCTAGGGGGACTAGTCTAGAGAAACTACTGTTTGGTGATTTGCTCAG-3'
Protein context (NP_001368.2, residues 1205-1225): LSPDHWLDLF[Arg1215Leu]LLGLPRGTSL

ClinVar aggregate classification (germline): Uncertain significance (1 of 4 stars; one submission).

Conditions:
Jeune thoracic dystrophy. Also called: Jeune syndrome; Infantile thoracic dystrophy; Thoracic pelvic phalangeal dystrophy; Jeune's syndrome; Chondroectodermal dysplasia-like syndrome; Short-rib thoracic dysplasia. Identifiers: Orphanet 474, MedGen C0265275, MONDO:0018770.

gnomAD v4.1: 8 of 1,609,868 alleles (0.0005%); highest among the groups gnomAD compares: Non-Finnish European, 0.00068%; no homozygotes.

Submission:

Labcorp Genetics (formerly Invitae), Labcorp
Classification: Uncertain significance for Jeune thoracic dystrophy. Last evaluated: 2024-10-17. Review status: criteria provided, single submitter. Criteria: Invitae Variant Classification Sherloc (09022015). Collection method: clinical testing. Allele origin: germline.
Comment: This sequence change replaces arginine, which is basic and polar, with leucine, which is neutral and non-polar, at codon 1215 of the DYNC2H1 protein (p.Arg1215Leu). This variant is not present in population databases (gnomAD no frequency). This variant has not been reported in the literature in individuals affected with DYNC2H1-related conditions. ClinVar contains an entry for this variant (Variation ID: 2166132). Invitae Evidence Modeling of protein sequence and biophysical properties (such as structural, functional, and spatial information, amino acid conservation, physicochemical variation, residue mobility, and thermodynamic stability) indicates that this missense variant is expected to disrupt DYNC2H1 protein function with a positive predictive value of 95%. In summary, the available evidence is currently insufficient to determine the role of this variant in disease. Therefore, it has been classified as a Variant of Uncertain Significance.